The following is an entry in ClinVar:

NM_133433.4(NIPBL):c.2323A>G (p.Lys775Glu)

Gene: NIPBL (NIPBL cohesin loading factor; plus strand). Cytogenetic location: 5p13.2.
Variant type: single nucleotide variant.
Coding change: c.2323A>G on transcript NM_133433.4 (MANE Select); coding-DNA position 2323, A replaced by G.
Protein change: p.Lys775Glu; replaces lysine 775 with glutamic acid.
Molecular consequence: missense variant.
Genome position (GRCh38, 1-based): chr5:36,985,503, A>G. VCF-style: chr5-36985503-A-G. GRCh37 (hg19) VCF-style: chr5-36985605-A-G.
Other names: c.2323A>G, p.Lys775Glu (NM_015384.5); short protein forms K775E.
Identifiers: ClinVar variation 2698811 (VCV002698811.3), dbSNP rs935425802, ClinGen allele CA117044381.

ClinVar aggregate classification (germline): Uncertain significance (1 of 4 stars; one submission).

Conditions:
Cornelia de Lange syndrome 1 (CDLS1). Also called: Brachmann de Lange syndrome; TYPUS DEGENERATIVUS AMSTELODAMENSIS; NIPBL-Related Cornelia de Lange Syndrome. Identifiers: Orphanet 199, MedGen C4551851, MONDO:0007387, OMIM 122470.

Allele frequency attached by ClinVar (database versions not stated): gnomAD 0.00001.
gnomAD v4.1: 1 of 1,613,474 alleles (0.000062%); highest among the groups gnomAD compares: African/African-American, 0.0013%; no homozygotes.

Submission:

Labcorp Genetics (formerly Invitae), Labcorp
Classification: Uncertain significance for Cornelia de Lange syndrome 1. Last evaluated: 2023-12-08. Review status: criteria provided, single submitter. Criteria: Invitae Variant Classification Sherloc (09022015). Collection method: clinical testing. Allele origin: germline.
Comment: This sequence change replaces lysine, which is basic and polar, with glutamic acid, which is acidic and polar, at codon 775 of the NIPBL protein (p.Lys775Glu). This variant is not present in population databases (gnomAD no frequency). This variant has not been reported in the literature in individuals affected with NIPBL-related conditions. Advanced modeling of protein sequence and biophysical properties (such as structural, functional, and spatial information, amino acid conservation, physicochemical variation, residue mobility, and thermodynamic stability) has been performed at Invitae for this missense variant, however the output from this modeling did not meet the statistical confidence thresholds required to predict the impact of this variant on NIPBL protein function. In summary, the available evidence is currently insufficient to determine the role of this variant in disease. Therefore, it has been classified as a Variant of Uncertain Significance.